The following is an entry in ClinVar:

NM_004646.4(NPHS1):c.2633dup (p.Asn878fs)

Gene: NPHS1 (NPHS1 adhesion molecule, nephrin; minus strand). Cytogenetic location: 19q13.12.
Variant type: Duplication.
Coding change: c.2633dup on transcript NM_004646.4 (MANE Select); coding-DNA position 2633, one base duplicated (A; older notation c.2633dupA).
Protein change: p.Asn878fs; shifts the reading frame from asparagine 878.
Molecular consequence: frameshift variant.
Genome position (GRCh38, 1-based): chr19:35,842,154, T duplicated on the plus strand (A on the coding strand, the reverse complement: NPHS1 is on the minus strand); the first of 6 consecutive T bases (chr19:35,842,154-35,842,159); duplicating any one gives the same sequence. VCF-style (leftmost placement, unchanged base first): chr19-35842153-G-GT. GRCh37 (hg19) VCF-style: chr19-36333055-G-GT.
Other names: c.2633dupA (NM_004646.3); short protein forms N878fs.
Identifiers: ClinVar variation 648643 (VCV000648643.9), dbSNP rs1315968443, ClinGen allele CA881822065.

ClinVar aggregate classification (germline): Pathogenic. Review status: criteria provided, multiple submitters, no conflicts (2 of 4 stars). 2 submissions from 2 submitters: Pathogenic (2). Last evaluated 2022-01-10.

Conditions:
Finnish congenital nephrotic syndrome (NPHS1). Also called: NEPHROTIC SYNDROME, TYPE 1. Identifiers: Orphanet 839, MedGen C0403399, MONDO:0009732, OMIM 256300.

Submissions (2):

Baylor Genetics
Classification: Pathogenic for Finnish congenital nephrotic syndrome. Last evaluated: 2022-01-10. Review status: criteria provided, single submitter. Criteria: ACMG Guidelines, 2015. Collection method: clinical testing. Allele origin: unknown.

Labcorp Genetics (formerly Invitae), Labcorp
Classification: Pathogenic. Last evaluated: 2018-12-07. Review status: criteria provided, single submitter. Criteria: Invitae Variant Classification Sherloc (09022015). Collection method: clinical testing. Allele origin: germline.
Comment: This variant is not present in population databases (ExAC no frequency). For these reasons, this variant has been classified as Pathogenic. Loss-of-function variants in NPHS1 are known to be pathogenic (PMID: 11317351, 11854170, 12039988). This variant has been observed as homozygous in an individual with congenital nephrotic syndrome (PMID: 20507940). This variant is also known as c.2633insA in the literature. This sequence change creates a premature translational stop signal (p.Asn878Lysfs*65) in the NPHS1 gene. It is expected to result in an absent or disrupted protein product.

Literature cited by the submitters: PubMed 11317351 (cited by Labcorp Genetics (formerly Invitae), Labcorp); PubMed 11854170 (cited by Labcorp Genetics (formerly Invitae), Labcorp); PubMed 12039988 (cited by Labcorp Genetics (formerly Invitae), Labcorp); PubMed 20507940 (cited by Labcorp Genetics (formerly Invitae), Labcorp).